The following is an entry in ClinVar:

ClinVar aggregate classification (germline): Uncertain significance (1 of 4 stars; one submission).

gnomAD v4.1: 1 of 1,601,006 alleles (0.000062%); highest among the groups gnomAD compares: South Asian, 0.0011%; no homozygotes.

Submission:

Labcorp Genetics (formerly Invitae), Labcorp
Classification: Uncertain significance. Last evaluated: 2021-06-01. Review status: criteria provided, single submitter. Criteria: Invitae Variant Classification Sherloc (09022015). Collection method: clinical testing. Allele origin: germline.
Comment: This sequence change replaces valine with leucine at codon 607 of the EPRS protein (p.Val607Leu). The valine residue is weakly conserved and there is a small physicochemical difference between valine and leucine. This variant is not present in population databases (ExAC no frequency). This variant has not been reported in the literature in individuals with EPRS-related conditions. Algorithms developed to predict the effect of missense changes on protein structure and function (SIFT, PolyPhen-2, Align-GVGD) all suggest that this variant is likely to be tolerated, but these predictions have not been confirmed by published functional studies and their clinical significance is uncertain. In summary, the available evidence is currently insufficient to determine the role of this variant in disease. Therefore, it has been classified as a Variant of Uncertain Significance.

NM_004446.3(EPRS1):c.1819G>C (p.Val607Leu)

Gene: EPRS1 (glutamyl-prolyl-tRNA synthetase 1; minus strand). Cytogenetic location: 1q41.
Variant type: single nucleotide variant.
Coding change: c.1819G>C on transcript NM_004446.3 (MANE Select); coding-DNA position 1819, G replaced by C.
Protein change: p.Val607Leu; replaces valine 607 with leucine.
Molecular consequence: missense variant.
Genome position (GRCh38, 1-based): chr1:220,006,237, C>G on the plus strand (G>C on the coding strand, the complement: EPRS1 is on the minus strand). VCF-style: chr1-220006237-C-G. GRCh37 (hg19) VCF-style: chr1-220179579-C-G.
Other names: short protein forms V607L.
Identifiers: ClinVar variation 1680978 (VCV001680978.8), dbSNP rs2102580421, ClinGen allele CA344614879.